The following is an entry in ClinVar:

NM_007373.4(SHOC2):c.794A>C (p.Asn265Thr)

Gene: SHOC2 (SHOC2 leucine rich repeat scaffold protein; plus strand). Cytogenetic location: 10q25.2.
Variant type: single nucleotide variant.
Coding change: c.794A>C on transcript NM_007373.4 (MANE Select); coding-DNA position 794, A replaced by C.
Protein change: p.Asn265Thr; replaces asparagine 265 with threonine.
Molecular consequence: missense variant. On other transcripts: non-coding transcript variant (1), intron variant (1).
Genome position (GRCh38, 1-based): chr10:110,985,718, A>C. VCF-style: chr10-110985718-A-C. GRCh37 (hg19) VCF-style: chr10-112745476-A-C.
Other names: c.794A>C, p.Asn265Thr (NM_001324337.2, NM_001324336.2); c.704-14697A>C (NM_001269039.3); short protein forms N265T.
Identifiers: ClinVar variation 2693157 (VCV002693157.3), dbSNP rs1403934777, ClinGen allele CA378391498.

ClinVar aggregate classification (germline): Uncertain significance (1 of 4 stars; one submission).

Conditions:
RASopathy. Also called: rasopathies; Noonan spectrum disorder. Identifiers: Orphanet 536391, MedGen C5555857, MONDO:0021060.

Submission:

Labcorp Genetics (formerly Invitae), Labcorp
Classification: Uncertain significance for RASopathy. Last evaluated: 2023-11-04. Review status: criteria provided, single submitter. Criteria: Invitae Variant Classification Sherloc (09022015). Collection method: clinical testing. Allele origin: germline.
Comment: This sequence change replaces asparagine, which is neutral and polar, with threonine, which is neutral and polar, at codon 265 of the SHOC2 protein (p.Asn265Thr). This variant is not present in population databases (gnomAD no frequency). This variant has not been reported in the literature in individuals affected with SHOC2-related conditions. Advanced modeling of protein sequence and biophysical properties (such as structural, functional, and spatial information, amino acid conservation, physicochemical variation, residue mobility, and thermodynamic stability) performed at Invitae indicates that this missense variant is not expected to disrupt SHOC2 protein function with a negative predictive value of 80%. In summary, the available evidence is currently insufficient to determine the role of this variant in disease. Therefore, it has been classified as a Variant of Uncertain Significance.